The following is an entry in ClinVar:

ClinVar aggregate classification (germline): Uncertain significance (1 of 4 stars; one submission).

Conditions:
Epidermolysis bullosa simplex 3, localized or generalized intermediate, with BP230 deficiency (EBS3). Also called: Epidermolysis bullosa simplex due to BP230 deficiency; Epidermolysis bullosa simplex, autosomal recessive 2. Identifiers: Orphanet 412181, MedGen C3809470, MONDO:0014180, OMIM 615425.
Hereditary sensory and autonomic neuropathy type 6. Also called: Neuropathy, hereditary sensory and autonomic, type VI; HSAN VI. Identifiers: Orphanet 314381, MedGen C3539003, MONDO:0013839, OMIM 614653.

Allele frequency attached by ClinVar (database versions not stated): ExAC 0.00002; ESP Exome Variant Server 0.00017.
gnomAD v4.1: 12 of 1,611,354 alleles (0.00074%); highest among the groups gnomAD compares: African/African-American, 0.0013%; no homozygotes.

Submission:

Labcorp Genetics (formerly Invitae), Labcorp
Classification: Uncertain significance for Epidermolysis bullosa simplex 3, localized or generalized intermediate, with BP230 deficiency; Hereditary sensory and autonomic neuropathy type 6. Last evaluated: 2022-02-05. Review status: criteria provided, single submitter. Criteria: Invitae Variant Classification Sherloc (09022015). Collection method: clinical testing. Allele origin: germline.
Comment: This sequence change replaces arginine, which is basic and polar, with serine, which is neutral and polar, at codon 2182 of the DST protein (p.Arg2182Ser). In summary, the available evidence is currently insufficient to determine the role of this variant in disease. Therefore, it has been classified as a Variant of Uncertain Significance. Experimental studies and prediction algorithms are not available or were not evaluated, and the functional significance of this variant is currently unknown. This variant has not been reported in the literature in individuals affected with DST-related conditions. This variant is present in population databases (rs376438027, gnomAD 0.007%). The DST gene has multiple clinically relevant transcripts. This variant occurs in alternate transcript NM_015548.4, and corresponds to NM_001723.5:c.*55198A>T in the primary transcript.

NM_001374736.1(DST):c.14415A>T (p.Arg4805Ser)

Gene: DST (dystonin; minus strand). Cytogenetic location: 6p12.1.
Variant type: single nucleotide variant.
Coding change: c.14415A>T on transcript NM_001374736.1 (MANE Select); coding-DNA position 14415, A replaced by T.
Protein change: p.Arg4805Ser; replaces arginine 4805 with serine.
Molecular consequence: missense variant.
Genome position (GRCh38, 1-based): chr6:56,560,319, T>A on the plus strand (A>T on the coding strand, the complement: DST is on the minus strand). VCF-style: chr6-56560319-T-A. GRCh37 (hg19) VCF-style: chr6-56425117-T-A.
Other names: c.8058A>T, p.Arg2686Ser (NM_001144769.5); c.7644A>T, p.Arg2548Ser (NM_001144770.2); c.14415A>T, p.Arg4805Ser (NM_001374722.1); c.13782A>T, p.Arg4594Ser (NM_001374729.1); c.7524A>T, p.Arg2508Ser (NM_001374730.1, NM_001386100.1, NM_183380.4); c.14442A>T, p.Arg4814Ser (NM_001374734.1); c.6546A>T, p.Arg2182Ser (NM_015548.5); short protein forms R2508S, R4805S, R2686S, R4594S, R2182S, R2548S, R4814S.
Identifiers: ClinVar variation 1495556 (VCV001495556.6), dbSNP rs376438027, ClinGen allele CA3868031.